The following is an entry in ClinVar:

NM_004429.5(EFNB1):c.362A>G (p.Tyr121Cys)

Gene: EFNB1 (ephrin B1; plus strand). Cytogenetic location: Xq13.1.
Variant type: single nucleotide variant.
Coding change: c.362A>G on transcript NM_004429.5 (MANE Select); coding-DNA position 362, A replaced by G.
Protein change: p.Tyr121Cys; replaces tyrosine 121 with cysteine.
Molecular consequence: missense variant.
Genome position (GRCh38, 1-based): chrX:68,838,850, A>G. VCF-style: chrX-68838850-A-G. GRCh37 (hg19) VCF-style: chrX-68058693-A-G.
Other names: short protein forms Y121C.
Identifiers: ClinVar variation 3643026 (VCV003643026.2).

ClinVar aggregate classification (germline): Uncertain significance (1 of 4 stars; one submission).

Submission:

Labcorp Genetics (formerly Invitae), Labcorp
Classification: Uncertain significance. Last evaluated: 2024-03-02. Review status: criteria provided, single submitter. Criteria: Invitae Variant Classification Sherloc (09022015). Collection method: clinical testing. Allele origin: germline.
Comment: This sequence change replaces tyrosine, which is neutral and polar, with cysteine, which is neutral and slightly polar, at codon 121 of the EFNB1 protein (p.Tyr121Cys). This variant is not present in population databases (gnomAD no frequency). This variant has not been reported in the literature in individuals affected with EFNB1-related conditions. Advanced modeling of protein sequence and biophysical properties (such as structural, functional, and spatial information, amino acid conservation, physicochemical variation, residue mobility, and thermodynamic stability) has been performed at Invitae for this missense variant, however the output from this modeling did not meet the statistical confidence thresholds required to predict the impact of this variant on EFNB1 protein function. In summary, the available evidence is currently insufficient to determine the role of this variant in disease. Therefore, it has been classified as a Variant of Uncertain Significance.